The following is an entry in ClinVar:

NM_032193.4(RNASEH2C):c.328_329delinsCC (p.Glu110Pro)

Gene: RNASEH2C (ribonuclease H2 subunit C; minus strand). Cytogenetic location: 11q13.1.
Variant type: Indel.
Coding change: c.328_329delinsCC on transcript NM_032193.4 (MANE Select); coding-DNA positions 328 to 329, GA replaced by CC.
Protein change: p.Glu110Pro; replaces glutamic acid 110 with proline.
Molecular consequence: missense variant.
Genome position (GRCh38, 1-based): chr11:65,720,261-65,720,262, TC replaced by GG on the plus strand (GA replaced by CC on the coding strand, the reverse complement: RNASEH2C is on the minus strand). VCF-style: chr11-65720261-TC-GG. GRCh37 (hg19) VCF-style: chr11-65487732-TC-GG.
Other names: short protein forms E110P.
Identifiers: ClinVar variation 1978004 (VCV001978004.12), dbSNP rs2495309877, ClinGen allele CA2580084490.

ClinVar aggregate classification (germline): Uncertain significance. Review status: criteria provided, multiple submitters, no conflicts (2 of 4 stars). 2 submissions from 2 submitters: Uncertain significance (2). Last evaluated 2025-07-01.

Conditions:
Aicardi-Goutieres syndrome 3. Identifiers: Orphanet 51, MedGen C1835916, MONDO:0012471, OMIM 610329.

Submissions (2):

CeGaT Center for Human Genetics Tuebingen
Classification: Uncertain significance. Last evaluated: 2025-07-01. Review status: criteria provided, single submitter. Criteria: CeGaT Center For Human Genetics Tuebingen Variant Classification Criteria Version 2. Collection method: clinical testing. Allele origin: germline. Affected: yes. Observed: 1 variant allele.
Comment: RNASEH2C: PM2

Labcorp Genetics (formerly Invitae), Labcorp
Classification: Uncertain significance for Aicardi-Goutieres syndrome 3. Last evaluated: 2024-12-23. Review status: criteria provided, single submitter. Criteria: Invitae Variant Classification Sherloc (09022015). Collection method: clinical testing. Allele origin: germline.
Comment: This sequence change replaces glutamic acid, which is acidic and polar, with proline, which is neutral and non-polar, at codon 110 of the RNASEH2C protein (p.Glu110Pro). This variant is present in population databases (no rsID available, gnomAD 0.002%). This missense change has been observed in individual(s) with systemic lupus erythematosus (PMID: 25500883). ClinVar contains an entry for this variant (Variation ID: 1978004). An algorithm developed to predict the effect of missense changes on protein structure and function (PolyPhen-2) suggests that this variant is likely to be tolerated. In summary, the available evidence is currently insufficient to determine the role of this variant in disease. Therefore, it has been classified as a Variant of Uncertain Significance.

Literature cited by the submitters: PubMed 25500883 (cited by Labcorp Genetics (formerly Invitae), Labcorp).